The following is an entry in ClinVar:

NC_000005.9:g.(?_13692093)_(13923569_?)del

Gene: DNAH5 (dynein axonemal heavy chain 5; minus strand). Cytogenetic location: 5p15.2.
Variant type: Deletion.
Identifiers: ClinVar variation 3246260 (VCV003246260.1).

ClinVar aggregate classification (germline): Pathogenic (1 of 4 stars; one submission).

Conditions:
Primary ciliary dyskinesia. Also called: Ciliary dyskinesia. Identifiers: Orphanet 244, MedGen C0008780, MONDO:0016575, HP:0012265.

Submission:

Labcorp Genetics (formerly Invitae), Labcorp
Classification: Pathogenic for Primary ciliary dyskinesia. Last evaluated: 2023-08-22. Review status: criteria provided, single submitter. Criteria: Invitae Variant Classification Sherloc (09022015). Collection method: clinical testing. Allele origin: unknown.
Comment: For these reasons, this variant has been classified as Pathogenic. This variant disrupts a region of the DNAH5 protein in which other variant(s) (p.Gly4205Val) have been determined to be pathogenic (PMID: 16627867; Invitae). This suggests that this is a clinically significant region of the protein, and that variants that disrupt it are likely to be disease-causing. This variant has not been reported in the literature in individuals affected with DNAH5-related conditions. This variant is a gross deletion of the genomic region encompassing exon(s) 4-79 of the DNAH5 gene, which includes the termination codon. This deletion extends beyond the assayed region for this gene and therefore may encompass additional genes. While this deletion is not anticipated to lead to nonsense mediated decay, it is expected to alter mRNA translation or result in a truncated protein product.

Literature cited by the submitters: PubMed 16627867.